The following is an entry in ClinVar:

ClinVar aggregate classification (germline): Uncertain significance (1 of 4 stars; one submission).

Submission:

Labcorp Genetics (formerly Invitae), Labcorp
Classification: Uncertain significance. Last evaluated: 2025-08-29. Review status: criteria provided, single submitter. Criteria: Invitae Variant Classification Sherloc (09022015). Collection method: clinical testing. Allele origin: germline.
Comment: This sequence change replaces lysine, which is basic and polar, with asparagine, which is neutral and polar, at codon 36 of the MBD4 protein (p.Lys36Asn). This variant is not present in population databases (gnomAD no frequency). This variant has not been reported in the literature in individuals affected with MBD4-related conditions. An algorithm developed to predict the effect of missense changes on protein structure and function (PolyPhen-2) suggests that this variant is likely to be tolerated. In summary, the available evidence is currently insufficient to determine the role of this variant in disease. Therefore, it has been classified as a Variant of Uncertain Significance.

NM_001276270.2(MBD4):c.108A>T (p.Lys36Asn)

Gene: MBD4 (methyl-CpG binding domain 4, DNA glycosylase; minus strand). Cytogenetic location: 3q21.3.
Variant type: single nucleotide variant.
Coding change: c.108A>T on transcript NM_001276270.2 (MANE Select); coding-DNA position 108, A replaced by T.
Protein change: p.Lys36Asn; replaces lysine 36 with asparagine.
Molecular consequence: missense variant.
Genome position (GRCh38, 1-based): chr3:129,437,947, T>A on the plus strand (A>T on the coding strand, the complement: MBD4 is on the minus strand). VCF-style: chr3-129437947-T-A. GRCh37 (hg19) VCF-style: chr3-129156790-T-A.
Other names: c.108A>T, p.Lys36Asn (NM_001276271.2, NM_001276272.2, NM_001276273.2 and 1 more transcripts); short protein forms K36N.
Identifiers: ClinVar variation 4726273 (VCV004726273.1).
Genomic context (GRCh38, chr3:129,437,947, plus strand): 5'-TTTTATCATCATTTGTTCCTCATCTTCTCCCACTCTTTCCAATTCCATAGCAACATCTTC[T>A]TTGCTGGAAAAACAAAGTCTAAGTGATTAACTTATTTAAAATTTATCTTCCACTGCCTAC-3'
Protein context (NP_001263199.1, residues 26-46): LVPDPPNDLR[Lys36Asn]EDVAMELERV